The following is an entry in ClinVar:

ClinVar aggregate classification (germline): Uncertain significance (1 of 4 stars; one submission).

Allele frequency attached by ClinVar (database versions not stated): TOPMed below 0.00001.
gnomAD v4.1: 1 of 1,611,168 alleles (0.000062%); highest among the groups gnomAD compares: Admixed American, 0.0017%; no homozygotes.

Submission:

Labcorp Genetics (formerly Invitae), Labcorp
Classification: Uncertain significance. Last evaluated: 2023-10-03. Review status: criteria provided, single submitter. Criteria: Invitae Variant Classification Sherloc (09022015). Collection method: clinical testing. Allele origin: germline.
Comment: This sequence change replaces lysine, which is basic and polar, with arginine, which is basic and polar, at codon 468 of the GFM1 protein (p.Lys468Arg). This variant is present in population databases (no rsID available, gnomAD 0.003%). This variant has not been reported in the literature in individuals affected with GFM1-related conditions. ClinVar contains an entry for this variant (Variation ID: 2041176). Advanced modeling of protein sequence and biophysical properties (such as structural, functional, and spatial information, amino acid conservation, physicochemical variation, residue mobility, and thermodynamic stability) performed at Invitae indicates that this missense variant is not expected to disrupt GFM1 protein function. Algorithms developed to predict the effect of sequence changes on RNA splicing suggest that this variant may disrupt the consensus splice site. In summary, the available evidence is currently insufficient to determine the role of this variant in disease. Therefore, it has been classified as a Variant of Uncertain Significance.

NM_024996.7(GFM1):c.1403A>G (p.Lys468Arg)

Gene: GFM1 (G elongation factor mitochondrial 1; plus strand). Cytogenetic location: 3q25.32.
Variant type: single nucleotide variant.
Coding change: c.1403A>G on transcript NM_024996.7 (MANE Select); coding-DNA position 1403, A replaced by G.
Protein change: p.Lys468Arg; replaces lysine 468 with arginine.
Molecular consequence: missense variant. On other transcripts: non-coding transcript variant (4).
Genome position (GRCh38, 1-based): chr3:158,665,359, A>G. VCF-style: chr3-158665359-A-G. GRCh37 (hg19) VCF-style: chr3-158383148-A-G.
Other names: c.1460A>G, p.Lys487Arg (NM_001308164.2); c.1403A>G, p.Lys468Arg (NM_001308166.2); c.1322A>G, p.Lys441Arg (NM_001374355.1); c.1286A>G, p.Lys429Arg (NM_001374356.1); c.1178A>G, p.Lys393Arg (NM_001374357.1); c.944A>G, p.Lys315Arg (NM_001374358.1); c.836A>G, p.Lys279Arg (NM_001374359.1, NM_001374360.1); c.719A>G, p.Lys240Arg (NM_001374361.1); short protein forms K240R, K441R, K279R, K315R, K429R, K468R, K393R, K487R.
Identifiers: ClinVar variation 2041176 (VCV002041176.4), dbSNP rs1315582099, ClinGen allele CA355178217.
Genomic context (GRCh38, chr3:158,665,359, plus strand): 5'-TCAGTAAAACATATAGTGACTTTCTTCTTCTTTTAAAGAACGATCTGGAAAAATTTTCAA[A>G]AGGTATTGGCAGGTTTACAAGAGAAGATCCCACATTTAAAGTATACTTTGACACTGAGAA-3'
Protein context (NP_079272.4, residues 458-478): SNKNDLEKFS[Lys468Arg]GIGRFTREDP